The following is an entry in ClinVar:

NM_198721.4(COL25A1):c.862-9C>T

Gene: COL25A1 (collagen type XXV alpha 1 chain; minus strand). Cytogenetic location: 4q25.
Variant type: single nucleotide variant.
Coding change: c.862-9C>T on transcript NM_198721.4 (MANE Select); 9 bases into the intron before coding-DNA position 862, C replaced by T.
Molecular consequence: intron variant.
Genome position (GRCh38, 1-based): chr4:108,896,720, G>A on the plus strand (C>T on the coding strand, the complement: COL25A1 is on the minus strand). VCF-style: chr4-108896720-G-A. GRCh37 (hg19) VCF-style: chr4-109817876-G-A.
Other names: c.862-9C>T (NM_032518.4); c.850-9C>T (NM_001256074.3).
Identifiers: ClinVar variation 3058559 (VCV003058559.2), dbSNP rs754236027, ClinGen allele CA3039562.

ClinVar aggregate classification (germline): Likely benign (0 of 4 stars; one submission).

Conditions:
COL25A1-related disorder. Also called: COL25A1-related condition.

Allele frequency attached by ClinVar (database versions not stated): ExAC 0.00002.
gnomAD v4.1: 19 of 1,613,000 alleles (0.0012%); highest among the groups gnomAD compares: South Asian, 0.018%; no homozygotes.

Submission:

PreventionGenetics, part of Exact Sciences
Classification: Likely benign for COL25A1-related condition. Last evaluated: 2019-03-25. Review status: no assertion criteria provided. Collection method: clinical testing. Allele origin: germline.
Comment: This variant is classified as likely benign based on ACMG/AMP sequence variant interpretation guidelines (Richards et al. 2015 PMID: 25741868, with internal and published modifications).